The following is an entry in ClinVar:

ClinVar aggregate classification (germline): Uncertain significance (1 of 4 stars; one submission).

Allele frequency attached by ClinVar (database versions not stated): gnomAD exomes below 0.00001; TOPMed below 0.00001.
gnomAD v4.1: 6 of 1,610,768 alleles (0.00037%); highest among the groups gnomAD compares: Non-Finnish European, 0.00051%; no homozygotes.

Submission:

Labcorp Genetics (formerly Invitae), Labcorp
Classification: Uncertain significance. Last evaluated: 2022-05-10. Review status: criteria provided, single submitter. Criteria: Invitae Variant Classification Sherloc (09022015). Collection method: clinical testing. Allele origin: germline.
Comment: This sequence change replaces serine, which is neutral and polar, with threonine, which is neutral and polar, at codon 337 of the TMPRSS15 protein (p.Ser337Thr). This variant is not present in population databases (gnomAD no frequency). This variant has not been reported in the literature in individuals affected with TMPRSS15-related conditions. Algorithms developed to predict the effect of missense changes on protein structure and function output the following: SIFT: "Not Available"; PolyPhen-2: "Benign"; Align-GVGD: "Not Available". The threonine amino acid residue is found in multiple mammalian species, which suggests that this missense change does not adversely affect protein function. In summary, the available evidence is currently insufficient to determine the role of this variant in disease. Therefore, it has been classified as a Variant of Uncertain Significance.

NM_002772.3(TMPRSS15):c.1010G>C (p.Ser337Thr)

Gene: TMPRSS15 (transmembrane serine protease 15; minus strand). Cytogenetic location: 21q21.1.
Variant type: single nucleotide variant.
Coding change: c.1010G>C on transcript NM_002772.3 (MANE Select); coding-DNA position 1010, G replaced by C.
Protein change: p.Ser337Thr; replaces serine 337 with threonine.
Molecular consequence: missense variant.
Genome position (GRCh38, 1-based): chr21:18,353,734, C>G on the plus strand (G>C on the coding strand, the complement: TMPRSS15 is on the minus strand). VCF-style: chr21-18353734-C-G. GRCh37 (hg19) VCF-style: chr21-19726051-C-G.
Other names: short protein forms S337T.
Identifiers: ClinVar variation 2419328 (VCV002419328.3), dbSNP rs2075595913, ClinGen allele CA409851592.